The following is an entry in ClinVar:

ClinVar aggregate classification (germline): Uncertain significance. Review status: criteria provided, multiple submitters, no conflicts (2 of 4 stars). 2 submissions from 2 submitters: Uncertain significance (2). Last evaluated 2025-03-27.

Conditions:
Inborn genetic diseases. Identifiers: MedGen C0950123, MeSH D030342.
Lissencephaly 10. Identifiers: MedGen C5394354, MONDO:0030031, OMIM 618873.

Allele frequency attached by ClinVar (database versions not stated): ExAC 0.00001; TOPMed 0.00002; 1000 Genomes Project 30x 0.00016; 1000 Genomes Project 0.00020; gnomAD exomes below 0.00001.
gnomAD v4.1: 4 of 1,614,124 alleles (0.00025%); highest among the groups gnomAD compares: South Asian, 0.0022%; no homozygotes.

Submissions (2):

Ambry Genetics
Classification: Uncertain significance for Inborn genetic diseases. Last evaluated: 2025-03-27. Review status: criteria provided, single submitter. Criteria: Ambry Variant Classification Scheme 2023. Collection method: clinical testing. Allele origin: germline.

MGZ Medical Genetics Center
Classification: Uncertain significance for Lissencephaly 10. Last evaluated: 2022-04-12. Review status: criteria provided, single submitter. Criteria: ACMG Guidelines, 2015. Collection method: clinical testing. Allele origin: germline. Affected: yes. Observed: 1 variant allele.
Comment: ACMG criteria applied: PM2_SUP, BP4

NM_001042475.3(CEP85L):c.452G>A (p.Arg151Gln)

Gene: CEP85L (centrosomal protein 85L; minus strand). Cytogenetic location: 6q22.31.
Variant type: single nucleotide variant.
Coding change: c.452G>A on transcript NM_001042475.3 (MANE Select); coding-DNA position 452, G replaced by A.
Protein change: p.Arg151Gln; replaces arginine 151 with glutamine.
Molecular consequence: missense variant.
Genome position (GRCh38, 1-based): chr6:118,566,097, C>T on the plus strand (G>A on the coding strand, the complement: CEP85L is on the minus strand). VCF-style: chr6-118566097-C-T. GRCh37 (hg19) VCF-style: chr6-118887260-C-T.
Other names: c.461G>A, p.Arg154Gln (NM_001178035.2); c.452G>A, p.Arg151Gln (NM_206921.3); c.452G>A (NM_001042475.2); short protein forms R151Q, R154Q.
Identifiers: ClinVar variation 1709317 (VCV001709317.3), dbSNP rs141322226, ClinGen allele CA3978100.
Genomic context (GRCh38, chr6:118,566,097, plus strand): 5'-CCCTGGCCACAGTTATCCGGGGCAGTGAGTTTGGATAAAGATGACCATTTCCGAAGTGGC[C>T]GGAAGTCCTTCATGTCTAGGGAAGAGTCCTGCTCCCCCCTACTGTGGTTTCCCAATGTTT-3'
Protein context (NP_001035940.1, residues 141-161): QDSSLDMKDF[Arg151Gln]PLRKWSSLSK